The following is an entry in ClinVar:

NM_004568.6(SERPINB6):c.251C>T (p.Thr84Met)

Gene: SERPINB6 (serpin family B member 6; minus strand). Cytogenetic location: 6p25.2.
Variant type: single nucleotide variant.
Coding change: c.251C>T on transcript NM_004568.6 (MANE Select); coding-DNA position 251, C replaced by T.
Protein change: p.Thr84Met; replaces threonine 84 with methionine.
Molecular consequence: missense variant. On other transcripts: non-coding transcript variant (1).
Genome position (GRCh38, 1-based): chr6:2,955,585, G>A on the plus strand (C>T on the coding strand, the complement: SERPINB6 is on the minus strand). VCF-style: chr6-2955585-G-A. GRCh37 (hg19) VCF-style: chr6-2955819-G-A.
Other names: c.263C>T, p.Thr88Met (NM_001195291.3, NM_001374515.1); c.293C>T, p.Thr98Met (NM_001271822.2); c.308C>T, p.Thr103Met (NM_001271823.2); c.251C>T, p.Thr84Met (NM_001271824.2, NM_001271825.2, NM_001297699.2 and 2 more transcripts); c.119C>T, p.Thr40Met (NM_001374517.1); c.251C>T (NM_004568.5); short protein forms T88M, T103M, T84M, T98M, T40M.
Identifiers: ClinVar variation 504995 (VCV000504995.12), dbSNP rs538616923, ClinGen allele CA3617607.

ClinVar aggregate classification (germline): Uncertain significance. Review status: criteria provided, multiple submitters, no conflicts (2 of 4 stars). 5 submissions from 5 submitters: Uncertain significance (5). Last evaluated 2026-04-23.

Conditions:
Autosomal recessive nonsyndromic hearing loss 91. Identifiers: Orphanet 90636, MedGen C3150704, MONDO:0013269, OMIM 613453.

Allele frequency attached by ClinVar (database versions not stated): TOPMed 0.00002; 1000 Genomes Project 0.00020; 1000 Genomes Project 30x 0.00031.
gnomAD v4.1: 108 of 1,614,198 alleles (0.0067%); highest among the groups gnomAD compares: South Asian, 0.072%; 2 homozygotes.

Submissions (5):

GeneDx
Classification: Uncertain significance. Last evaluated: 2026-04-23. Review status: criteria provided, single submitter. Criteria: GeneDx Variant Classification Process June 2021. Collection method: clinical testing. Allele origin: germline.
Comment: In silico analysis supports that this missense variant has a deleterious effect on protein structure/function; Has not been previously published as pathogenic or benign to our knowledge

Ambry Genetics
Classification: Uncertain significance. Last evaluated: 2025-05-05. Review status: criteria provided, single submitter. Criteria: Ambry Variant Classification Scheme 2023. Collection method: clinical testing. Allele origin: germline.

Labcorp Genetics (formerly Invitae), Labcorp
Classification: Uncertain significance. Last evaluated: 2025-03-31. Review status: criteria provided, single submitter. Criteria: Invitae Variant Classification Sherloc (09022015). Collection method: clinical testing. Allele origin: germline.
Comment: This sequence change replaces threonine, which is neutral and polar, with methionine, which is neutral and non-polar, at codon 84 of the SERPINB6 protein (p.Thr84Met). This variant is present in population databases (rs538616923, gnomAD 0.07%). This variant has not been reported in the literature in individuals affected with SERPINB6-related conditions. ClinVar contains an entry for this variant (Variation ID: 504995). Invitae Evidence Modeling of protein sequence and biophysical properties (such as structural, functional, and spatial information, amino acid conservation, physicochemical variation, residue mobility, and thermodynamic stability) indicates that this missense variant is not expected to disrupt SERPINB6 protein function with a negative predictive value of 80%. In summary, the available evidence is currently insufficient to determine the role of this variant in disease. Therefore, it has been classified as a Variant of Uncertain Significance.

Fulgent Genetics
Classification: Uncertain significance for Autosomal recessive nonsyndromic hearing loss 91. Last evaluated: 2018-10-31. Review status: criteria provided, single submitter. Criteria: ACMG Guidelines, 2015. Collection method: clinical testing. Allele origin: unknown.

Laboratory for Molecular Medicine, Mass General Brigham Personalized Medicine
Classification: Uncertain significance. Last evaluated: 2016-04-25. Review status: criteria provided, single submitter. Criteria: LMM Criteria. Collection method: clinical testing. Allele origin: germline. Observed: 1 variant allele.
Comment: Variant classified as Uncertain Significance - Favor Benign. The p.Thr84Met vari ant in SERPINB6 has not been previously reported in individuals with hearing los s, but has been identified in 0.1% (12/16510) of South Asian chromosomes by the Exome Aggregation Consortium (ExAC; dbSNP rs5386 16923). Threonine (Thr) at position 84 is not conserved in mammals or evolutiona rily distant species and one mammal (rabbit) carries a Methionine (Met), raising the possibility that this change may be tolerated. Additional computational pr ediction tools suggest that the p.Thr84Met variant may not impact the protein, t hough this information is not predictive enough to rule out pathogenicity. In su mmary, while the clinical significance of the p.Thr84Met variant is uncertain, t hese data suggest that it is more likely to be benign.